The following is an entry in ClinVar:

NM_000179.3(MSH6):c.458G>C (p.Gly153Ala)

Gene: MSH6 (mutS homolog 6; plus strand). Cytogenetic location: 2p16.3.
Variant type: single nucleotide variant.
Coding change: c.458G>C on transcript NM_000179.3 (MANE Select); coding-DNA position 458, G replaced by C.
Protein change: p.Gly153Ala; replaces glycine 153 with alanine.
Molecular consequence: missense variant. On other transcripts: 5 prime UTR variant (1), intron variant (2).
Genome position (GRCh38, 1-based): chr2:47,795,894, G>C. VCF-style: chr2-47795894-G-C. GRCh37 (hg19) VCF-style: chr2-48023033-G-C.
Other names: c.-445G>C (NM_001281494.2); c.-279-2717G>C (NM_001281493.2); c.238-2717G>C (NM_001281492.2); short protein forms G153A.
Identifiers: ClinVar variation 1005216 (VCV001005216.9), dbSNP rs1251899870, ClinGen allele CA346738556.

ClinVar aggregate classification (germline): Uncertain significance (1 of 4 stars; one submission).

Conditions:
Hereditary nonpolyposis colorectal neoplasms. Identifiers: MedGen C0009405, MeSH D003123.

Submission:

Labcorp Genetics (formerly Invitae), Labcorp
Classification: Uncertain significance for Hereditary nonpolyposis colorectal neoplasms. Last evaluated: 2020-10-19. Review status: criteria provided, single submitter. Criteria: Invitae Variant Classification Sherloc (09022015). Collection method: clinical testing. Allele origin: germline.
Comment: This variant is not present in population databases (ExAC no frequency). This sequence change replaces glycine with alanine at codon 153 of the MSH6 protein (p.Gly153Ala). The glycine residue is moderately conserved and there is a small physicochemical difference between glycine and alanine. Algorithms developed to predict the effect of missense changes on protein structure and function are either unavailable or do not agree on the potential impact of this missense change (SIFT: "Tolerated"; PolyPhen-2: "Probably Damaging"; Align-GVGD: "Class C0"). This variant has not been reported in the literature in individuals with MSH6-related conditions. In summary, the available evidence is currently insufficient to determine the role of this variant in disease. Therefore, it has been classified as a Variant of Uncertain Significance. Algorithms developed to predict the effect of sequence changes on RNA splicing suggest that this variant may disrupt the consensus splice site, but this prediction has not been confirmed by published transcriptional studies.